The following is an entry in ClinVar:

ClinVar aggregate classification (germline): Uncertain significance (1 of 4 stars; one submission).

Conditions:
Hereditary cancer-predisposing syndrome. Also called: Neoplastic Syndromes, Hereditary; Tumor predisposition; Hereditary Cancer Syndrome; Hereditary neoplastic syndrome. Identifiers: Orphanet 140162, MedGen C0027672, MeSH D009386, MONDO:0015356.

Submission:

Ambry Genetics
Classification: Uncertain significance for Hereditary cancer-predisposing syndrome. Last evaluated: 2024-11-26. Review status: criteria provided, single submitter. Criteria: Ambry Variant Classification Scheme 2023. Collection method: clinical testing. Allele origin: germline.
Comment: The p.K636R variant (also known as c.1907A>G), located in coding exon 14 of the SDHA gene, results from an A to G substitution at nucleotide position 1907. The lysine at codon 636 is replaced by arginine, an amino acid with highly similar properties. This amino acid position is highly conserved in available vertebrate species. In addition, the in silico prediction for this alteration is inconclusive. Based on the available evidence, the clinical significance of this variant remains unclear.

NM_004168.4(SDHA):c.1907A>G (p.Lys636Arg)

Gene: SDHA (succinate dehydrogenase complex flavoprotein subunit A; plus strand). Cytogenetic location: 5p15.33.
Variant type: single nucleotide variant.
Coding change: c.1907A>G on transcript NM_004168.4 (MANE Select); coding-DNA position 1907, A replaced by G.
Protein change: p.Lys636Arg; replaces lysine 636 with arginine.
Molecular consequence: missense variant.
Genome position (GRCh38, 1-based): chr5:254,505, A>G. VCF-style: chr5-254505-A-G. GRCh37 (hg19) VCF-style: chr5-254620-A-G.
Other names: c.1763A>G, p.Lys588Arg (NM_001294332.2); c.1664A>G, p.Lys555Arg (NM_001330758.2); short protein forms K555R, K588R, K636R.
Identifiers: ClinVar variation 1782411 (VCV001782411.3), dbSNP rs2477477398, ClinGen allele CA359002321.